The following is an entry in ClinVar:

ClinVar aggregate classification (germline): Benign/Likely benign. Review status: criteria provided, multiple submitters, no conflicts (2 of 4 stars). 5 submissions from 5 submitters: Benign (1); Likely benign (3). 1 of the submissions does not count toward it. Last evaluated 2025-09-04.

Conditions:
CDH1-related disorder. Also called: CDH1-related condition.
Hereditary cancer-predisposing syndrome. Also called: Tumor predisposition; Neoplastic Syndromes, Hereditary; Hereditary Cancer Syndrome; Hereditary neoplastic syndrome. Identifiers: Orphanet 140162, MedGen C0027672, MeSH D009386, MONDO:0015356.
Hereditary diffuse gastric adenocarcinoma (HDGC). Also called: DIFFUSE GASTRIC AND LOBULAR BREAST CANCER SYNDROME. Identifiers: Orphanet 26106, MedGen C1708349, MONDO:0007648, OMIM 137215.

Allele frequency attached by ClinVar (database versions not stated): TOPMed below 0.00001.

Submissions (5):

Labcorp Genetics (formerly Invitae), Labcorp
Classification: Likely benign for Hereditary diffuse gastric adenocarcinoma. Last evaluated: 2025-09-04. Review status: criteria provided, single submitter. Criteria: Invitae Variant Classification Sherloc (09022015). Collection method: clinical testing. Allele origin: germline.

Myriad Genetics, Inc.
Classification: Benign for Hereditary diffuse gastric adenocarcinoma. Last evaluated: 2024-09-11. Review status: criteria provided, single submitter. Criteria: Myriad Autosomal Dominant, Autosomal Recessive and X-Linked Classification Criteria (2023). Collection method: clinical testing. Allele origin: unknown.
Comment: This variant is considered benign. This variant is a silent/synonymous amino acid change and it is not expected to impact splicing.

Ambry Genetics
Classification: Likely benign for Hereditary cancer-predisposing syndrome. Last evaluated: 2020-11-02. Review status: criteria provided, single submitter. Criteria: Ambry Variant Classification Scheme 2023. Collection method: clinical testing. Allele origin: germline.

Color Diagnostics, LLC DBA Color Health
Classification: Likely benign for Hereditary cancer-predisposing syndrome. Last evaluated: 2017-10-12. Review status: criteria provided, single submitter. Criteria: ACMG Guidelines, 2015. Collection method: clinical testing. Allele origin: germline.

PreventionGenetics, part of Exact Sciences
Classification: Likely benign for CDH1-related condition. Last evaluated: 2021-02-16. Review status: no assertion criteria provided. Collection method: clinical testing. Allele origin: germline. Not counted in ClinVar's aggregate classification.
Comment: This variant is classified as likely benign based on ACMG/AMP sequence variant interpretation guidelines (Richards et al. 2015 PMID: 25741868, with internal and published modifications).

NM_004360.5(CDH1):c.154C>T (p.Leu52=)

Gene: CDH1 (cadherin 1; plus strand). Cytogenetic location: 16q22.1.
Variant type: single nucleotide variant.
Coding change: c.154C>T on transcript NM_004360.5 (MANE Select); coding-DNA position 154, C replaced by T.
Protein change: p.Leu52=; no amino-acid change (leucine 52 retained).
Molecular consequence: synonymous variant. On other transcripts: 5 prime UTR variant (2).
Genome position (GRCh38, 1-based): chr16:68,738,402, C>T. VCF-style: chr16-68738402-C-T. GRCh37 (hg19) VCF-style: chr16-68772305-C-T.
Other names: c.154C>T, p.Leu52= (NM_001317184.2); c.-1462C>T (NM_001317185.2); c.-1666C>T (NM_001317186.2).
Identifiers: ClinVar variation 491500 (VCV000491500.17), dbSNP rs374569322, ClinGen allele CA283274400.